The following is an entry in ClinVar:

ClinVar aggregate classification (germline): Conflicting classifications of pathogenicity. Review status: criteria provided, conflicting classifications (1 of 4 stars). 3 submissions from 3 submitters: Uncertain significance (1); Likely benign (1). 1 of the submissions does not count toward it. Last evaluated 2025-05-17.

Conditions:
PCNT-related disorder. Also called: PCNT-related condition.

Allele frequency attached by ClinVar (database versions not stated): gnomAD 0.00001 and 0.00002; TOPMed 0.00010; gnomAD exomes 0.00014 and 0.00029; ExAC 0.00030.
gnomAD v4.1: 85 of 1,604,884 alleles (0.0053%); highest among the groups gnomAD compares: Admixed American, 0.14%; no homozygotes.

Submissions (3):

Labcorp Genetics (formerly Invitae), Labcorp
Classification: Likely benign. Last evaluated: 2025-05-17. Review status: criteria provided, single submitter. Criteria: Invitae Variant Classification Sherloc (09022015). Collection method: clinical testing. Allele origin: germline.

Genetic Services Laboratory, University of Chicago
Classification: Uncertain significance. Last evaluated: 2019-01-10. Review status: criteria provided, single submitter. Criteria: ACMG Guidelines, 2015. Collection method: clinical testing. Allele origin: germline. Affected: no.

PreventionGenetics, part of Exact Sciences
Classification: Likely benign for PCNT-related condition. Last evaluated: 2021-06-04. Review status: no assertion criteria provided. Collection method: clinical testing. Allele origin: germline. Not counted in ClinVar's aggregate classification.
Comment: This variant is classified as likely benign based on ACMG/AMP sequence variant interpretation guidelines (Richards et al. 2015 PMID: 25741868, with internal and published modifications).

NM_006031.6(PCNT):c.4585-3T>C

Gene: PCNT (pericentrin; plus strand). Cytogenetic location: 21q22.3.
Variant type: single nucleotide variant.
Coding change: c.4585-3T>C on transcript NM_006031.6 (MANE Select); 3 bases into the intron before coding-DNA position 4585, T replaced by C.
Molecular consequence: intron variant.
Genome position (GRCh38, 1-based): chr21:46,399,587, T>C. VCF-style: chr21-46399587-T-C. GRCh37 (hg19) VCF-style: chr21-47819501-T-C.
Other names: c.4231-3T>C (NM_001315529.2).
Identifiers: ClinVar variation 725261 (VCV000725261.15), dbSNP rs777059690, ClinGen allele CA10079735.